The following is an entry in ClinVar:

NM_201384.3(PLEC):c.6156G>A (p.Lys2052=)

Gene: PLEC (plectin; minus strand). Cytogenetic location: 8q24.3.
Variant type: single nucleotide variant.
Coding change: c.6156G>A on transcript NM_201384.3 (MANE Select); coding-DNA position 6156, G replaced by A.
Protein change: p.Lys2052=; no amino-acid change (lysine 2052 retained).
Molecular consequence: synonymous variant.
Genome position (GRCh38, 1-based): chr8:143,923,773, C>T on the plus strand (G>A on the coding strand, the complement: PLEC is on the minus strand). VCF-style: chr8-143923773-C-T. GRCh37 (hg19) VCF-style: chr8-144997941-C-T.
Other names: c.6237G>A, p.Lys2079= (NM_000445.5); c.6114G>A, p.Lys2038= (NM_201378.4); c.6090G>A, p.Lys2030= (NM_201379.3); c.6567G>A, p.Lys2189= (NM_201380.4); c.6060G>A, p.Lys2020= (NM_201381.3); c.6156G>A, p.Lys2052= (NM_201382.4); c.6168G>A, p.Lys2056= (NM_201383.3).
Identifiers: ClinVar variation 706036 (VCV000706036.36), dbSNP rs782488625, ClinGen allele CA4926091.
Genomic context (GRCh38, chr8:143,923,773, plus strand): 5'-CTCCTGCTGCAGCGTCTGCTGTAGCTCCTGCTCCTTCTGCTGCACCGCGAAGGCGTGTGC[C>T]TTCTCTTCCGCCTGCAGCCGCTTCTGGGCGGCCTCCTGGGCCAGCTGCAGCTGCCGCGCC-3'
Protein context (NP_958786.1, residues 2042-2062): AAQKRLQAEE[Lys2052=]AHAFAVQQKE

ClinVar aggregate classification (germline): Benign/Likely benign. Review status: criteria provided, multiple submitters, no conflicts (2 of 4 stars). 4 submissions from 4 submitters: Benign (1); Likely benign (3). Last evaluated 2026-05-17.

Conditions:
PLEC-related disorder. Also called: PLEC-related disorders; PLEC-related condition.
Epidermolysis bullosa simplex, Ogna type (EBS5A). Also called: Pidermolysis bullosa simplex 5A, Ogna type; EPIDERMOLYSIS BULLOSA SIMPLEX 5A, OGNA TYPE. Identifiers: Orphanet 79401, MedGen C0432317, MONDO:0007555, OMIM 131950.
Epidermolysis bullosa simplex 5C, with pyloric atresia (EBS5C). Also called: PLEC-Related Epidermolysis Bullosa with Pyloric Atresia; Epidermolysis bullosa simplex with pyloric atresia; PLEC1-Related Epidermolysis Bullosa with Pyloric Atresia. Identifiers: Orphanet 158684, MedGen C2677349, MONDO:0012807, OMIM 612138.
Epidermolysis bullosa simplex 5B, with muscular dystrophy (EBS5B). Also called: EPIDERMOLYSIS BULLOSA SIMPLEX AND LIMB-GIRDLE MUSCULAR DYSTROPHY; Epidermolysis bullosa simplex with muscular dystrophy. Identifiers: Orphanet 257, MedGen C2931072, MONDO:0009181, OMIM 226670.
Epidermolysis bullosa simplex with nail dystrophy (EBS5D). Identifiers: MedGen C4225309, MONDO:0014661, OMIM 616487.
Autosomal recessive limb-girdle muscular dystrophy type 2Q (LGMDR17). Also called: MUSCULAR DYSTROPHY, LIMB-GIRDLE, AUTOSOMAL RECESSIVE 17. Identifiers: Orphanet 254361, MedGen C3150989, MONDO:0013390, OMIM 613723.

Allele frequency attached by ClinVar (database versions not stated): gnomAD exomes 0.00008 and 0.00019; gnomAD 0.00015; TOPMed 0.00016; ExAC 0.00037.
gnomAD v4.1: 140 of 1,569,440 alleles (0.0089%); highest among the groups gnomAD compares: Middle Eastern, 0.033%; no homozygotes.

Submissions (4):

PreventionGenetics, part of Exact Sciences
Classification: Likely benign for PLEC-related condition. Last evaluated: 2026-05-17. Review status: criteria provided, single submitter. Criteria: ACMG Guidelines, 2015. Collection method: clinical testing. Allele origin: germline.
Comment: This variant is classified as likely benign based on ACMG/AMP sequence variant interpretation guidelines (Richards et al. 2015 PMID: 25741868, with internal and published modifications).

Labcorp Genetics (formerly Invitae), Labcorp
Classification: Benign for Autosomal recessive limb-girdle muscular dystrophy type 2Q; Epidermolysis bullosa simplex, Ogna type; Epidermolysis bullosa simplex with nail dystrophy; Epidermolysis bullosa simplex 5C, with pyloric atresia; Epidermolysis bullosa simplex 5B, with muscular dystrophy. Last evaluated: 2026-01-23. Review status: criteria provided, single submitter. Criteria: Invitae Variant Classification Sherloc (09022015). Collection method: clinical testing. Allele origin: germline.

CeGaT Center for Human Genetics Tuebingen
Classification: Likely benign. Last evaluated: 2023-08-01. Review status: criteria provided, single submitter. Criteria: CeGaT Center For Human Genetics Tuebingen Variant Classification Criteria Version 2. Collection method: clinical testing. Allele origin: germline. Affected: yes. Observed: 1 variant allele.
Comment: PLEC: BP4, BP7

Blueprint Genetics
Classification: Likely benign. Last evaluated: 2022-08-18. Review status: criteria provided, single submitter. Criteria: ACMG Guidelines, 2015. Collection method: clinical testing. Allele origin: germline.